The following is an entry in ClinVar:

ClinVar aggregate classification (germline): Uncertain significance (1 of 4 stars; one submission).

Allele frequency attached by ClinVar (database versions not stated): gnomAD exomes below 0.00001; ExAC 0.00001; gnomAD 0.00001.
gnomAD v4.1: 5 of 1,614,028 alleles (0.00031%); highest among the groups gnomAD compares: African/African-American, 0.0013%; no homozygotes.

Submission:

Labcorp Genetics (formerly Invitae), Labcorp
Classification: Uncertain significance. Last evaluated: 2023-07-07. Review status: criteria provided, single submitter. Criteria: Invitae Variant Classification Sherloc (09022015). Collection method: clinical testing. Allele origin: germline.
Comment: In summary, the available evidence is currently insufficient to determine the role of this variant in disease. Therefore, it has been classified as a Variant of Uncertain Significance. This sequence change replaces phenylalanine, which is neutral and non-polar, with serine, which is neutral and polar, at codon 195 of the NEUROD1 protein (p.Phe195Ser). This variant is present in population databases (rs756482679, gnomAD 0.0009%). This variant has not been reported in the literature in individuals affected with NEUROD1-related conditions. ClinVar contains an entry for this variant (Variation ID: 1056717). Advanced modeling of protein sequence and biophysical properties (such as structural, functional, and spatial information, amino acid conservation, physicochemical variation, residue mobility, and thermodynamic stability) has been performed at Invitae for this missense variant, however the output from this modeling did not meet the statistical confidence thresholds required to predict the impact of this variant on NEUROD1 protein function.

NM_002500.5(NEUROD1):c.584T>C (p.Phe195Ser)

Gene: NEUROD1 (neuronal differentiation 1; minus strand). Cytogenetic location: 2q31.3.
Variant type: single nucleotide variant.
Coding change: c.584T>C on transcript NM_002500.5 (MANE Select); coding-DNA position 584, T replaced by C.
Protein change: p.Phe195Ser; replaces phenylalanine 195 with serine.
Molecular consequence: missense variant.
Genome position (GRCh38, 1-based): chr2:181,678,277, A>G on the plus strand (T>C on the coding strand, the complement: NEUROD1 is on the minus strand). VCF-style: chr2-181678277-A-G. GRCh37 (hg19) VCF-style: chr2-182543004-A-G.
Other names: short protein forms F195S.
Identifiers: ClinVar variation 1056717 (VCV001056717.9), dbSNP rs756482679, ClinGen allele CA2011111.